The following is an entry in ClinVar:

ClinVar aggregate classification (germline): Likely benign. Review status: criteria provided, multiple submitters, no conflicts (2 of 4 stars). 2 submissions from 2 submitters: Likely benign (2). Last evaluated 2024-03-15.

Conditions:
Dilated cardiomyopathy 1G (CMD1G). Identifiers: Orphanet 154, MedGen C1858763, MONDO:0011400, OMIM 604145.
Autosomal recessive limb-girdle muscular dystrophy type 2J (LGMDR10). Also called: Limb-girdle muscular dystrophy, type 2J; MUSCULAR DYSTROPHY, LIMB-GIRDLE, AUTOSOMAL RECESSIVE 10. Identifiers: Orphanet 140922, MedGen C1837342, MONDO:0012127, OMIM 608807.

Allele frequency attached by ClinVar (database versions not stated): TOPMed below 0.00001.

Submissions (2):

Labcorp Genetics (formerly Invitae), Labcorp
Classification: Likely benign for Dilated cardiomyopathy 1G; Autosomal recessive limb-girdle muscular dystrophy type 2J. Last evaluated: 2024-03-15. Review status: criteria provided, single submitter. Criteria: Invitae Variant Classification Sherloc (09022015). Collection method: clinical testing. Allele origin: germline.

CeGaT Center for Human Genetics Tuebingen
Classification: Likely benign. Last evaluated: 2023-03-01. Review status: criteria provided, single submitter. Criteria: CeGaT Center For Human Genetics Tuebingen Variant Classification Criteria Version 2. Collection method: clinical testing. Allele origin: germline. Affected: yes. Observed: 1 variant allele.
Comment: TTN: PM2:Supporting, BP4, BP7

NM_001267550.2(TTN):c.48499C>A (p.Arg16167=)

Genes: TTN (titin; minus strand), TTN-AS1 (TTN antisense RNA 1; plus strand). Cytogenetic location: 2q31.2.
Variant type: single nucleotide variant.
Coding change: c.48499C>A on transcript NM_001267550.2 (MANE Select); coding-DNA position 48499, C replaced by A.
Protein change: p.Arg16167=; no amino-acid change (arginine 16167 retained).
Molecular consequence: synonymous variant.
Genome position (GRCh38, 1-based): chr2:178,615,446, G>T on the plus strand (C>A on the coding strand, the complement: TTN is on the minus strand). VCF-style: chr2-178615446-G-T. GRCh37 (hg19) VCF-style: chr2-179480173-G-T.
Other names: c.43576C>A, p.Arg14526= (NM_001256850.1); c.21304C>A, p.Arg7102= (NM_003319.4); c.40795C>A, p.Arg13599= (NM_133378.4); c.21679C>A, p.Arg7227= (NM_133432.3); c.21880C>A, p.Arg7294= (NM_133437.4).
Identifiers: ClinVar variation 1644670 (VCV001644670.32), dbSNP rs1312425985, ClinGen allele CA430105578.
Genomic context (GRCh38, chr2:178,615,446, plus strand): 5'-TGCGTGAACCACCATCATTTTTAGGTGGATCCCATGTTAAGAAGATGCTATTGGCTGTTC[G>T]ATCTCTCCATTTAACATTCTCTGGTGGGTCAGGTACCGCTACAACATTTGGAAGAGAGAG-3'
Protein context (NP_001254479.2, residues 16157-16177): DPPENVKWRD[Arg16167=]TANSIFLTWD